The following is an entry in ClinVar:

ClinVar aggregate classification (germline): Uncertain significance (1 of 4 stars; one submission).

Conditions:
NEK8-related disorder. Also called: NEK8-related condition.

Submission:

PreventionGenetics, part of Exact Sciences
Classification: Uncertain significance for NEK8-related condition. Last evaluated: 2026-09-08. Review status: criteria provided, single submitter. Criteria: ACMG Guidelines, 2015. Collection method: clinical testing. Allele origin: germline.
Comment: The NEK8 c.344C>T variant is predicted to result in the amino acid substitution p.Ala115Val. To our knowledge, this variant has not been reported in the literature or in a large population database (gnomAD), indicating this variant is rare. At this time, the clinical significance of this variant is uncertain due to the absence of conclusive functional and genetic evidence.

NM_178170.3(NEK8):c.344C>T (p.Ala115Val)

Gene: NEK8 (NIMA related kinase 8; plus strand). Cytogenetic location: 17q11.2.
Variant type: single nucleotide variant.
Coding change: c.344C>T on transcript NM_178170.3 (MANE Select); coding-DNA position 344, C replaced by T.
Protein change: p.Ala115Val; replaces alanine 115 with valine.
Molecular consequence: missense variant.
Genome position (GRCh38, 1-based): chr17:28,734,862, C>T. VCF-style: chr17-28734862-C-T. GRCh37 (hg19) VCF-style: chr17-27061880-C-T.
Other names: short protein forms A115V.
Identifiers: ClinVar variation 4982122 (VCV004982122.1).